The following is an entry in ClinVar:

ClinVar aggregate classification (germline): Conflicting classifications of pathogenicity. Review status: criteria provided, conflicting classifications (1 of 4 stars). 8 submissions from 8 submitters: Uncertain significance (7); Likely benign (1). Last evaluated 2026-01-06.

Conditions:
FLNC-related disorder. Also called: FLNC-related condition; FLNC-related disorders.
Hypertrophic cardiomyopathy 26. Also called: Cardiomyopathy, familial hypertrophic, 26. Identifiers: Orphanet 75249, MedGen C4310749, MONDO:0014883, OMIM 617047.
Myofibrillar myopathy 5. Also called: Filaminopathy (type); FILAMINOPATHY, AUTOSOMAL DOMINANT. Identifiers: Orphanet 171445, MedGen C1836050, MONDO:0012289, OMIM 609524.
Distal myopathy with posterior leg and anterior hand involvement. Also called: WILLIAMS DISTAL MYOPATHY. Identifiers: Orphanet 63273, MedGen C3279722, MONDO:0013550, OMIM 614065.
Cardiovascular phenotype. Identifiers: MedGen CN230736.
Cardiomyopathy (CMYO). Also called: Cardiomyopathies. Identifiers: Orphanet 167848, MedGen C0878544, MONDO:0004994, HP:0001638. Inheritance: Various modes of inheritance.

Allele frequency attached by ClinVar (database versions not stated): ExAC 0.00002; gnomAD exomes 0.00002 and 0.00003; TOPMed 0.00002; gnomAD 0.00004.
gnomAD v4.1: 52 of 1,613,052 alleles (0.0032%); highest among the groups gnomAD compares: Non-Finnish European, 0.0042%; no homozygotes.

Submissions (8):

Labcorp Genetics (formerly Invitae), Labcorp
Classification: Uncertain significance for Distal myopathy with posterior leg and anterior hand involvement; Myofibrillar myopathy 5; Hypertrophic cardiomyopathy 26. Last evaluated: 2026-01-06. Review status: criteria provided, single submitter. Criteria: Invitae Variant Classification Sherloc (09022015). Collection method: clinical testing. Allele origin: germline.
Comment: This sequence change replaces asparagine, which is neutral and polar, with serine, which is neutral and polar, at codon 47 of the FLNC protein (p.Asn47Ser). This variant is present in population databases (rs770861991, gnomAD 0.004%). This missense change has been observed in individual(s) with hypertrophic cardiomyopathy (PMID: 36788754; internal data). ClinVar contains an entry for this variant (Variation ID: 644893). Invitae Evidence Modeling of protein sequence and biophysical properties (such as structural, functional, and spatial information, amino acid conservation, physicochemical variation, residue mobility, and thermodynamic stability) has been performed for this missense variant. However, the output from this modeling did not meet the statistical confidence thresholds required to predict the impact of this variant on FLNC protein function. In summary, the available evidence is currently insufficient to determine the role of this variant in disease. Therefore, it has been classified as a Variant of Uncertain Significance.

PreventionGenetics, part of Exact Sciences
Classification: Uncertain significance for FLNC-related condition. Last evaluated: 2025-12-29. Review status: criteria provided, single submitter. Criteria: ACMG Guidelines, 2015. Collection method: clinical testing. Allele origin: germline.
Comment: The FLNC c.140A>G variant is predicted to result in the amino acid substitution p.Asn47Ser. This variant has been reported as a variant of uncertain significance in an individual with hypertrophic cardiomyopathy (Table S3, Lenarduzzi et al. 2023. PubMed ID: 36788754). This variant is reported in 0.0047% of alleles in individuals of European (Non-Finnish) descent in gnomAD. At this time, the clinical significance of this variant is uncertain due to the absence of conclusive functional and genetic evidence.

Laboratory of Genetics, Children's Clinical University Hospital Latvia
Classification: Likely benign. Last evaluated: 2025-02-16. Review status: criteria provided, single submitter. Criteria: ACMG Guidelines, 2015. Collection method: clinical testing. Allele origin: germline. Affected: yes.

CeGaT Center for Human Genetics Tuebingen
Classification: Uncertain significance. Last evaluated: 2025-01-01. Review status: criteria provided, single submitter. Criteria: CeGaT Center For Human Genetics Tuebingen Variant Classification Criteria Version 2. Collection method: clinical testing. Allele origin: germline. Affected: yes. Observed: 2 variant alleles.
Comment: FLNC: PP2

Fulgent Genetics
Classification: Uncertain significance for Myofibrillar myopathy 5; Distal myopathy with posterior leg and anterior hand involvement; Hypertrophic cardiomyopathy 26. Last evaluated: 2024-05-15. Review status: criteria provided, single submitter. Criteria: ACMG Guidelines, 2015. Collection method: clinical testing. Allele origin: germline.

GeneDx
Classification: Uncertain significance. Last evaluated: 2024-02-09. Review status: criteria provided, single submitter. Criteria: GeneDx Variant Classification Process June 2021. Collection method: clinical testing. Allele origin: germline. Affected: yes.
Comment: In silico analysis supports that this missense variant has a deleterious effect on protein structure/function; This variant is associated with the following publications: (PMID: 36788754)

Ambry Genetics
Classification: Uncertain significance for Cardiovascular phenotype. Last evaluated: 2023-05-25. Review status: criteria provided, single submitter. Criteria: Ambry Variant Classification Scheme 2023. Collection method: clinical testing. Allele origin: germline.
Comment: The p.N47S variant (also known as c.140A>G), located in coding exon 1 of the FLNC gene, results from an A to G substitution at nucleotide position 140. The asparagine at codon 47 is replaced by serine, an amino acid with highly similar properties. This amino acid position is highly conserved in available vertebrate species. In addition, the in silico prediction for this alteration is inconclusive. Since supporting evidence is limited at this time, the clinical significance of this alteration remains unclear.

CHEO Genetics Diagnostic Laboratory, Children's Hospital of Eastern Ontario
Classification: Uncertain significance for Cardiomyopathy. Last evaluated: 2023-04-28. Review status: criteria provided, single submitter. Criteria: ACMG Guidelines, 2015. Collection method: clinical testing. Allele origin: germline.

Literature cited by the submitters: PubMed 36788754 (cited by Labcorp Genetics (formerly Invitae), Labcorp).

NM_001458.5(FLNC):c.140A>G (p.Asn47Ser)

Gene: FLNC (filamin C; plus strand). Cytogenetic location: 7q32.1.
Variant type: single nucleotide variant.
Coding change: c.140A>G on transcript NM_001458.5 (MANE Select); coding-DNA position 140, A replaced by G.
Protein change: p.Asn47Ser; replaces asparagine 47 with serine.
Molecular consequence: missense variant.
Genome position (GRCh38, 1-based): chr7:128,830,777, A>G. VCF-style: chr7-128830777-A-G. GRCh37 (hg19) VCF-style: chr7-128470831-A-G.
Other names: c.140A>G, p.Asn47Ser (NM_001127487.2); short protein forms N47S.
Identifiers: ClinVar variation 644893 (VCV000644893.44), dbSNP rs770861991, ClinGen allele CA4473963.